The following is an entry in ClinVar:

NM_138477.4(CDAN1):c.2303G>T (p.Gly768Val)

Gene: CDAN1 (codanin 1; minus strand). Cytogenetic location: 15q15.2.
Variant type: single nucleotide variant.
Coding change: c.2303G>T on transcript NM_138477.4 (MANE Select); coding-DNA position 2303, G replaced by T.
Protein change: p.Gly768Val; replaces glycine 768 with valine.
Molecular consequence: missense variant.
Genome position (GRCh38, 1-based): chr15:42,729,845, C>A on the plus strand (G>T on the coding strand, the complement: CDAN1 is on the minus strand). VCF-style: chr15-42729845-C-A. GRCh37 (hg19) VCF-style: chr15-43022043-C-A.
Other names: short protein forms G768V.
Identifiers: ClinVar variation 2016803 (VCV002016803.4), dbSNP rs1166686407, ClinGen allele CA392039573.

ClinVar aggregate classification (germline): Uncertain significance (1 of 4 stars; one submission).

gnomAD v4.1: 1 of 1,613,950 alleles (0.000062%); highest among the groups gnomAD compares: Non-Finnish European, 0.000085%; no homozygotes.

Submission:

Labcorp Genetics (formerly Invitae), Labcorp
Classification: Uncertain significance. Last evaluated: 2022-07-13. Review status: criteria provided, single submitter. Criteria: Invitae Variant Classification Sherloc (09022015). Collection method: clinical testing. Allele origin: germline.
Comment: In summary, the available evidence is currently insufficient to determine the role of this variant in disease. Therefore, it has been classified as a Variant of Uncertain Significance. Algorithms developed to predict the effect of missense changes on protein structure and function (SIFT, PolyPhen-2, Align-GVGD) all suggest that this variant is likely to be tolerated. This variant has not been reported in the literature in individuals affected with CDAN1-related conditions. This variant is not present in population databases (gnomAD no frequency). This sequence change replaces glycine, which is neutral and non-polar, with valine, which is neutral and non-polar, at codon 768 of the CDAN1 protein (p.Gly768Val).